The following is an entry in ClinVar:

ClinVar aggregate classification (germline): Uncertain significance. Review status: criteria provided, multiple submitters, no conflicts (2 of 4 stars). 2 submissions from 2 submitters: Uncertain significance (2). Last evaluated 2026-01-18.

Conditions:
Fibrous dysplasia of jaw (CRBM). Also called: Cherubism. Identifiers: Orphanet 184, MedGen C0008029, MONDO:0007315, OMIM 118400.
Inborn genetic diseases. Identifiers: MedGen C0950123, MeSH D030342.

Allele frequency attached by ClinVar (database versions not stated): ExAC 0.00005; TOPMed below 0.00001; gnomAD exomes 0.00001.
gnomAD v4.1: 9 of 1,612,440 alleles (0.00056%); highest among the groups gnomAD compares: South Asian, 0.0055%; no homozygotes.

Submissions (2):

Labcorp Genetics (formerly Invitae), Labcorp
Classification: Uncertain significance for Fibrous dysplasia of jaw. Last evaluated: 2026-01-18. Review status: criteria provided, single submitter. Criteria: Invitae Variant Classification Sherloc (09022015). Collection method: clinical testing. Allele origin: germline.
Comment: This sequence change replaces arginine, which is basic and polar, with glutamine, which is neutral and polar, at codon 275 of the SH3BP2 protein (p.Arg275Gln). This variant is present in population databases (rs776446250, gnomAD 0.02%). This variant has not been reported in the literature in individuals affected with SH3BP2-related conditions. ClinVar contains an entry for this variant (Variation ID: 2236085). Invitae Evidence Modeling of protein sequence and biophysical properties (such as structural, functional, and spatial information, amino acid conservation, physicochemical variation, residue mobility, and thermodynamic stability) has been performed for this missense variant. However, the output from this modeling did not meet the statistical confidence thresholds required to predict the impact of this variant on SH3BP2 protein function. In summary, the available evidence is currently insufficient to determine the role of this variant in disease. Therefore, it has been classified as a Variant of Uncertain Significance.

Ambry Genetics
Classification: Uncertain significance for Inborn genetic diseases. Last evaluated: 2021-07-09. Review status: criteria provided, single submitter. Criteria: Ambry Variant Classification Scheme 2023. Collection method: clinical testing. Allele origin: germline.

NM_001122681.2(SH3BP2):c.824G>A (p.Arg275Gln)

Gene: SH3BP2 (SH3 domain binding protein 2; plus strand). Cytogenetic location: 4p16.3.
Variant type: single nucleotide variant.
Coding change: c.824G>A on transcript NM_001122681.2 (MANE Select); coding-DNA position 824, G replaced by A.
Protein change: p.Arg275Gln; replaces arginine 275 with glutamine.
Molecular consequence: missense variant.
Genome position (GRCh38, 1-based): chr4:2,829,730, G>A. VCF-style: chr4-2829730-G-A. GRCh37 (hg19) VCF-style: chr4-2831457-G-A.
Other names: c.908G>A, p.Arg303Gln (NM_001145855.2); c.995G>A, p.Arg332Gln (NM_001145856.2); c.824G>A, p.Arg275Gln (NM_003023.4); short protein forms R332Q, R303Q, R275Q.
Identifiers: ClinVar variation 2236085 (VCV002236085.5), dbSNP rs776446250, ClinGen allele CA2819330.